The following is an entry in ClinVar:

ClinVar aggregate classification (germline): Likely pathogenic (1 of 4 stars; one submission).

Conditions:
Dilated cardiomyopathy 1G (CMD1G). Identifiers: Orphanet 154, MedGen C1858763, MONDO:0011400, OMIM 604145.
Autosomal recessive limb-girdle muscular dystrophy type 2J (LGMDR10). Also called: Limb-girdle muscular dystrophy, type 2J; MUSCULAR DYSTROPHY, LIMB-GIRDLE, AUTOSOMAL RECESSIVE 10. Identifiers: Orphanet 140922, MedGen C1837342, MONDO:0012127, OMIM 608807.

Submission:

Labcorp Genetics (formerly Invitae), Labcorp
Classification: Likely pathogenic for Dilated cardiomyopathy 1G; Autosomal recessive limb-girdle muscular dystrophy type 2J. Last evaluated: 2023-08-24. Review status: criteria provided, single submitter. Criteria: Invitae Variant Classification Sherloc (09022015). Collection method: clinical testing. Allele origin: germline.
Comment: In summary, the currently available evidence indicates that the variant is pathogenic, but additional data are needed to prove that conclusively. Therefore, this variant has been classified as Likely Pathogenic. This variant is located in the A band of TTN (PMID: 25589632). Truncating variants in this region are significantly overrepresented in patients affected with dilated cardiomyopathy (PMID: 25589632). Truncating variants in this region have also been reported in individuals affected with autosomal recessive centronuclear myopathy (PMID: 23975875). Algorithms developed to predict the effect of sequence changes on RNA splicing suggest that this variant may disrupt the consensus splice site. This variant has not been reported in the literature in individuals affected with TTN-related conditions. This variant is not present in population databases (gnomAD no frequency). This sequence change affects a donor splice site in intron 344 of the TTN gene. It is expected to disrupt RNA splicing and likely results in a truncated or disrupted TTN protein.

Literature cited by the submitters: PubMed 25589632; PubMed 23975875.

NM_001267550.2(TTN):c.95722+1G>C

Genes: TTN-AS1 (TTN antisense RNA 1; plus strand), TTN (titin; minus strand). Cytogenetic location: 2q31.2.
Variant type: single nucleotide variant.
Coding change: c.95722+1G>C on transcript NM_001267550.2 (MANE Select); the canonical splice donor site of the intron after coding-DNA position 95722, G replaced by C.
Molecular consequence: splice donor variant.
Genome position (GRCh38, 1-based): chr2:178,545,387, C>G on the plus strand (G>C on the coding strand, the complement: TTN is on the minus strand). VCF-style: chr2-178545387-C-G. GRCh37 (hg19) VCF-style: chr2-179410114-C-G.
Other names: c.68527+1G>C (NM_003319.4); c.69103+1G>C (NM_133437.4); c.68902+1G>C (NM_133432.3); c.88018+1G>C (NM_133378.4); c.90799+1G>C (NM_001256850.1).
Identifiers: ClinVar variation 2950368 (VCV002950368.3), dbSNP rs112318053, ClinGen allele CA60971034.
Genomic context (GRCh38, chr2:178,545,387, plus strand): 5'-AAAATTATCTGTCATATAGTTTTGAGGAGCATTGTATTTATGTATGATTCTTGGAGCTCA[C>G]ATGATGGTTCTCTGCATGAGATGAAGTTGGAAGCTTCGCTGGGCTCACTGTTACCAGCTG-3'